The following is an entry in ClinVar:

ClinVar aggregate classification (germline): Uncertain significance. Review status: criteria provided, multiple submitters, no conflicts (2 of 4 stars). 3 submissions from 3 submitters: Uncertain significance (3). Last evaluated 2026-05-26.

Conditions:
SLC9A1-related disorder. Also called: SLC9A1-related condition.

Allele frequency attached by ClinVar (database versions not stated): ESP Exome Variant Server 0.00023; ExAC 0.00026; TOPMed 0.00026; gnomAD 0.00028.

Submissions (3):

PreventionGenetics, part of Exact Sciences
Classification: Uncertain significance for SLC9A1-related condition. Last evaluated: 2026-05-26. Review status: criteria provided, single submitter. Criteria: ACMG Guidelines, 2015. Collection method: clinical testing. Allele origin: germline.
Comment: The SLC9A1 c.2275G>A variant is predicted to result in the amino acid substitution p.Asp759Asn. To our knowledge, this variant has not been reported in the literature. This variant is reported in 0.041% of alleles in individuals of European (Non-Finnish) descent in gnomAD. At this time, the clinical significance of this variant is uncertain due to the absence of conclusive functional and genetic evidence.

Ambry Genetics
Classification: Uncertain significance. Last evaluated: 2025-04-13. Review status: criteria provided, single submitter. Criteria: Ambry Variant Classification Scheme 2023. Collection method: clinical testing. Allele origin: germline.

Mayo Clinic Laboratories, Mayo Clinic
Classification: Uncertain significance. Last evaluated: 2024-09-05. Review status: criteria provided, single submitter. Criteria: ACMG Guidelines, 2015. Collection method: clinical testing. Allele origin: germline. Observed: 1 variant allele.
Comment: BP4

NM_003047.5(SLC9A1):c.2275G>A (p.Asp759Asn)

Gene: SLC9A1 (solute carrier family 9 member A1; minus strand). Cytogenetic location: 1p36.11.
Variant type: single nucleotide variant.
Coding change: c.2275G>A on transcript NM_003047.5 (MANE Select); coding-DNA position 2275, G replaced by A.
Protein change: p.Asp759Asn; replaces aspartic acid 759 with asparagine.
Molecular consequence: missense variant. On other transcripts: non-coding transcript variant (1).
Genome position (GRCh38, 1-based): chr1:27,100,480, C>T on the plus strand (G>A on the coding strand, the complement: SLC9A1 is on the minus strand). VCF-style: chr1-27100480-C-T. GRCh37 (hg19) VCF-style: chr1-27426971-C-T.
Other names: p.Asp759Asn; c.2275G>A (NM_003047.4); short protein forms D759N.
Identifiers: ClinVar variation 2457247 (VCV002457247.5), dbSNP rs140504210, ClinGen allele CA710827.
Genomic context (GRCh38, chr1:27,100,480, plus strand): 5'-TGAAGACATCGTCGGTTCCTGGGGACGAAGTCTCCTTGCTCCGCATCATGATGCCCCCAT[C>T]GTCGTCCTCGTCCTCCTCAGCCACCTTTGCAGGATCCCGGCTCAACCCTAAGACTTTGCC-3'
Protein context (NP_003038.2, residues 749-769): AKVAEEDEDD[Asp759Asn]GGIMMRSKET